The following is an entry in ClinVar:

ClinVar aggregate classification (germline): Conflicting classifications of pathogenicity. Review status: criteria provided, conflicting classifications (1 of 4 stars). 3 submissions from 2 submitters: Uncertain significance (2); Likely benign (1). Last evaluated 2025-12-06.

Conditions:
Maturity-onset diabetes of the young (MODY). Also called: Maturity onset diabetes mellitus in young. Identifiers: Orphanet 552, MedGen C0342276, MONDO:0018911, HP:0004904.
Transitory neonatal diabetes mellitus. Also called: Transient neonatal diabetes mellitus. Identifiers: MedGen C0342273, MONDO:0020525, HP:0008255.

Allele frequency attached by ClinVar (database versions not stated): ExAC 0.00001; gnomAD 0.00001 and 0.00002; gnomAD exomes 0.00002 and 0.00004; TOPMed 0.00002; ESP Exome Variant Server 0.00008.
gnomAD v4.1: 55 of 1,613,926 alleles (0.0034%); highest among the groups gnomAD compares: Non-Finnish European, 0.0046%; no homozygotes.

Submissions (3):

Labcorp Genetics (formerly Invitae), Labcorp
Classification: Likely benign. Last evaluated: 2025-12-06. Review status: criteria provided, single submitter. Criteria: Invitae Variant Classification Sherloc (09022015). Collection method: clinical testing. Allele origin: germline.

Clinical Genomics, Uppaluri K&H Personalized Medicine Clinic
Classification: Uncertain significance for Transitory neonatal diabetes mellitus. Review status: criteria provided, single submitter. Criteria: K & H Uppaluri Personalized Medicine Clinic Variant Classification & Assertion Criteria_Updated V.1. Collection method: research. Allele origin: unknown. Inheritance: Somatic mutation.
Comment: Mutations in ABCC8 gene are associated with both neonatal diabetes mellitus as well as MODY. Patients with this mutation may have a better response to sulfonylureas. However, no sufficient evidence is found to ascertain the role of this particular variant ( rs370095966) in neonatal diabetes yet.

Clinical Genomics, Uppaluri K&H Personalized Medicine Clinic
Classification: Uncertain significance for Maturity-onset diabetes of the young. Review status: criteria provided, single submitter. Criteria: K & H Uppaluri Personalized Medicine Clinic Variant Classification & Assertion Criteria_Updated V.1. Collection method: research. Allele origin: unknown. Inheritance: Somatic mutation.
Comment: Mutations in ABCC8 gene are associated with both neonatal diabetes mellitus as well as MODY. Patients with this mutation may have a better response to sulfonylureas. However, no sufficient evidence is found to ascertain the role of this particular variant ( rs370095966) in MODY yet.

Literature cited by the submitters: PubMed 16885549 (cited by Clinical Genomics, Uppaluri K&H Personalized Medicine Clinic); PubMed 21989597 (cited by Clinical Genomics, Uppaluri K&H Personalized Medicine Clinic); PubMed 27538677 (cited by Clinical Genomics, Uppaluri K&H Personalized Medicine Clinic); PubMed 18981553 (cited by Clinical Genomics, Uppaluri K&H Personalized Medicine Clinic); PubMed 32027066 (cited by Clinical Genomics, Uppaluri K&H Personalized Medicine Clinic); PubMed 16613899 (cited by Clinical Genomics, Uppaluri K&H Personalized Medicine Clinic); PubMed 18025408 (cited by Clinical Genomics, Uppaluri K&H Personalized Medicine Clinic); PubMed 32792356 (cited by Clinical Genomics, Uppaluri K&H Personalized Medicine Clinic).

NM_000352.6(ABCC8):c.291-8C>T

Gene: ABCC8 (ATP binding cassette subfamily C member 8; minus strand). Cytogenetic location: 11p15.1.
Variant type: single nucleotide variant.
Coding change: c.291-8C>T on transcript NM_000352.6 (MANE Select); 8 bases into the intron before coding-DNA position 291, C replaced by T.
Molecular consequence: intron variant.
Genome position (GRCh38, 1-based): chr11:17,470,230, G>A on the plus strand (C>T on the coding strand, the complement: ABCC8 is on the minus strand). VCF-style: chr11-17470230-G-A. GRCh37 (hg19) VCF-style: chr11-17491777-G-A.
Other names: c.291-8C>T (NM_001351297.2, NM_001351296.2, NM_001351295.2 and 1 more transcripts).
Identifiers: ClinVar variation 706684 (VCV000706684.12), dbSNP rs370095966, ClinGen allele CA5903916.